The following is an entry in ClinVar:

ClinVar aggregate classification (germline): Uncertain significance (1 of 4 stars; one submission).

gnomAD v4.1: 9 of 1,540,832 alleles (0.00058%); highest among the groups gnomAD compares: South Asian, 0.0012%; no homozygotes.

Submission:

Labcorp Genetics (formerly Invitae), Labcorp
Classification: Uncertain significance. Last evaluated: 2024-08-23. Review status: criteria provided, single submitter. Criteria: Invitae Variant Classification Sherloc (09022015). Collection method: clinical testing. Allele origin: germline.
Comment: This sequence change replaces arginine, which is basic and polar, with histidine, which is basic and polar, at codon 66 of the AHDC1 protein (p.Arg66His). This variant is present in population databases (rs769556766, gnomAD 0.006%). This variant has not been reported in the literature in individuals affected with AHDC1-related conditions. An algorithm developed to predict the effect of missense changes on protein structure and function (PolyPhen-2) suggests that this variant is likely to be disruptive. In summary, the available evidence is currently insufficient to determine the role of this variant in disease. Therefore, it has been classified as a Variant of Uncertain Significance.

NM_001371928.1(AHDC1):c.197G>A (p.Arg66His)

Gene: AHDC1 (AT-hook DNA binding motif containing 1; minus strand). Cytogenetic location: 1p36.11.
Variant type: single nucleotide variant.
Coding change: c.197G>A on transcript NM_001371928.1 (MANE Select); coding-DNA position 197, G replaced by A.
Protein change: p.Arg66His; replaces arginine 66 with histidine.
Molecular consequence: missense variant.
Genome position (GRCh38, 1-based): chr1:27,551,919, C>T on the plus strand (G>A on the coding strand, the complement: AHDC1 is on the minus strand). VCF-style: chr1-27551919-C-T. GRCh37 (hg19) VCF-style: chr1-27878430-C-T.
Other names: c.197G>A, p.Arg66His (NM_001029882.3); short protein forms R66H.
Identifiers: ClinVar variation 3693415 (VCV003693415.2).
Genomic context (GRCh38, chr1:27,551,919, plus strand): 5'-GGGGGCAGCGGGTCGTCCCCCTTGGCAAGGACTGGTGGGCGCCGGGTGCTGGGGTCCCGG[C>T]GTGGGGGTGGGCGTGGGTTCTCGGAGAAGGCGTGGGTGGAGAAGGCCTTGTCAGGTGGGC-3'
Protein context (NP_001358857.1, residues 56-76): AFSENPRPPP[Arg66His]RDPSTRRPPV